The following is an entry in ClinVar:

ClinVar aggregate classification (germline): Conflicting classifications of pathogenicity. Review status: criteria provided, conflicting classifications (1 of 4 stars). 10 submissions from 10 submitters: Uncertain significance (1); Benign (1); Likely benign (7). 1 of the submissions does not count toward it. Last evaluated 2026-01-20.

Conditions:
Fanconi anemia complementation group J. Also called: BRIP1-Related Fanconi Anemia. Identifiers: Orphanet 84, MedGen C1836860, MONDO:0012187, OMIM 609054.
Ovarian cancer. Also called: OVARIAN CANCER, SOMATIC. Identifiers: Orphanet 213500, MedGen C1140680, MONDO:0008170, OMIM 167000.
Hereditary cancer-predisposing syndrome. Also called: Tumor predisposition; Hereditary neoplastic syndrome; Neoplastic Syndromes, Hereditary; Hereditary Cancer Syndrome. Identifiers: Orphanet 140162, MedGen C0027672, MeSH D009386, MONDO:0015356.
Familial cancer of breast. Also called: hereditary breast carcinoma; Hereditary breast cancer; BREAST CANCER, FAMILIAL. Identifiers: Orphanet 227535, MedGen C0346153, MONDO:0016419, OMIM 114480. Disease mechanism: loss of function.

Allele frequency attached by ClinVar (database versions not stated): ExAC 0.00005; gnomAD exomes 0.00005 and 0.00008; gnomAD 0.00006 and 0.00007; TOPMed 0.00007; ESP Exome Variant Server 0.00015.
gnomAD v4.1: 82 of 1,613,290 alleles (0.0051%); highest among the groups gnomAD compares: African/African-American, 0.0013%; no homozygotes.

Submissions (10):

Labcorp Genetics (formerly Invitae), Labcorp
Classification: Likely benign for Familial cancer of breast; Fanconi anemia complementation group J. Last evaluated: 2026-01-20. Review status: criteria provided, single submitter. Criteria: Invitae Variant Classification Sherloc (09022015). Collection method: clinical testing. Allele origin: germline.

Blueprint Genetics
Classification: Likely benign. Last evaluated: 2023-11-21. Review status: criteria provided, single submitter. Criteria: ACMG Guidelines, 2015. Collection method: clinical testing. Allele origin: germline.

Myriad Genetics, Inc.
Classification: Likely benign for Familial cancer of breast. Last evaluated: 2023-03-01. Review status: criteria provided, single submitter. Criteria: Myriad Autosomal Dominant, Autosomal Recessive and X-Linked Classification Criteria (2023). Collection method: clinical testing. Allele origin: unknown.
Comment: This variant is considered likely benign. This variant is intronic and is not expected to impact mRNA splicing.

Sema4
Classification: Likely benign for Hereditary cancer-predisposing syndrome. Last evaluated: 2021-04-28. Review status: criteria provided, single submitter. Criteria: Sema4 Curation Guidelines. Collection method: curation. Allele origin: germline.

Department of Pathology and Laboratory Medicine, Sinai Health System
Classification: Likely benign for Familial cancer of breast. Last evaluated: 2021-01-27. Review status: criteria provided, single submitter. Criteria: ACMG Guidelines, 2015. Collection method: clinical testing. Allele origin: germline. Affected: yes.

Genetic Services Laboratory, University of Chicago
Classification: Likely benign. Last evaluated: 2020-04-20. Review status: criteria provided, single submitter. Criteria: ACMG Guidelines, 2015. Collection method: clinical testing. Allele origin: germline. Affected: no.

Illumina Laboratory Services, Illumina
Classification: Uncertain significance for Fanconi anemia complementation group J. Last evaluated: 2018-01-12. Review status: criteria provided, single submitter. Criteria: ICSL Variant Classification Criteria 13 December 2019. Collection method: clinical testing. Allele origin: germline.

Color Diagnostics, LLC DBA Color Health
Classification: Likely benign for Hereditary cancer-predisposing syndrome. Last evaluated: 2015-11-09. Review status: criteria provided, single submitter. Criteria: ACMG Guidelines, 2015. Collection method: clinical testing. Allele origin: germline.

GeneDx
Classification: Benign. Last evaluated: 2014-05-24. Review status: criteria provided, single submitter. Criteria: GeneDx Variant Classification (06012015). Collection method: clinical testing. Allele origin: germline. Affected: yes.
Comment: This variant is considered likely benign or benign based on one or more of the following criteria: it is a conservative change, it occurs at a poorly conserved position in the protein, it is predicted to be benign by multiple in silico algorithms, and/or has population frequency not consistent with disease.

Counsyl
Classification: Likely benign for Fanconi anemia complementation group J; Ovarian cancer. Last evaluated: 2016-12-15. Review status: no assertion criteria provided. Collection method: clinical testing. Allele origin: unknown. Not counted in ClinVar's aggregate classification.

NM_032043.3(BRIP1):c.1629-11T>C

Gene: BRIP1 (BRCA1 interacting DNA helicase 1; minus strand). Cytogenetic location: 17q23.2.
Variant type: single nucleotide variant.
Coding change: c.1629-11T>C on transcript NM_032043.3 (MANE Select); 11 bases into the intron before coding-DNA position 1629, T replaced by C.
Molecular consequence: intron variant.
Genome position (GRCh38, 1-based): chr17:61,781,016, A>G on the plus strand (T>C on the coding strand, the complement: BRIP1 is on the minus strand). VCF-style: chr17-61781016-A-G. GRCh37 (hg19) VCF-style: chr17-59858377-A-G.
Identifiers: ClinVar variation 136586 (VCV000136586.21), dbSNP rs375710640, ClinGen allele CA289755.